The following is an entry in ClinVar:

NM_000059.4(BRCA2):c.2405A>G (p.Asn802Ser)

Gene: BRCA2 (BRCA2 DNA repair associated; plus strand). Cytogenetic location: 13q13.1.
Variant type: single nucleotide variant.
Coding change: c.2405A>G on transcript NM_000059.4 (MANE Select); coding-DNA position 2405, A replaced by G.
Protein change: p.Asn802Ser; replaces asparagine 802 with serine.
Molecular consequence: missense variant.
Genome position (GRCh38, 1-based): chr13:32,336,760, A>G. VCF-style: chr13-32336760-A-G. GRCh37 (hg19) VCF-style: chr13-32910897-A-G.
Other names: short protein forms N802S.
Identifiers: ClinVar variation 234566 (VCV000234566.25), dbSNP rs876661089, ClinGen allele CA10577465.

ClinVar aggregate classification (germline): Conflicting classifications of pathogenicity. Review status: criteria provided, conflicting classifications (1 of 4 stars). 9 submissions from 9 submitters: Uncertain significance (7); Likely benign (2). Last evaluated 2025-06-12.

Conditions:
Hereditary breast ovarian cancer syndrome. Also called: Hereditary breast and ovarian cancer syndrome; Breast and ovarian cancer; Hereditary breast and ovarian cancer; Hereditary breast and ovarian cancer syndrome (HBOC); BRCA1- and BRCA2-Associated Hereditary Breast and Ovarian Cancer; Hereditary breast and/or ovarian cancer syndrome. Identifiers: Orphanet 145, MedGen C0677776, MeSH D061325, MONDO:0003582. Disease mechanism: loss of function.
Breast-ovarian cancer, familial, susceptibility to, 2 (BROVCA2). Also called: BRCA2 Hereditary Breast and Ovarian Cancer. Identifiers: Orphanet 145, MedGen C2675520, MONDO:0012933, OMIM 612555. Disease mechanism: loss of function.
Hereditary cancer-predisposing syndrome. Also called: Hereditary neoplastic syndrome; Hereditary Cancer Syndrome; Neoplastic Syndromes, Hereditary; Tumor predisposition. Identifiers: Orphanet 140162, MedGen C0027672, MeSH D009386, MONDO:0015356.
Fanconi anemia complementation group D1. Also called: BRCA2-Related Fanconi Anemia. Identifiers: Orphanet 319462, MedGen C1838457, MONDO:0011584, OMIM 605724.
Medulloblastoma (MDB). Also called: MEDULLOBLASTOMA PREDISPOSITION SYNDROME; Medulloblastoma, somatic. Identifiers: Orphanet 616, MedGen C0025149, MeSH D008527, MONDO:0007959, OMIM 155255, HP:0002885.
Prostate cancer. Also called: Malignant tumor of prostate. Identifiers: Orphanet 1331, MedGen C0376358, MONDO:0008315, HP:0012125.
Familial cancer of breast. Also called: hereditary breast carcinoma; BREAST CANCER, FAMILIAL; Hereditary breast cancer. Identifiers: Orphanet 227535, MedGen C0346153, MONDO:0016419, OMIM 114480. Disease mechanism: loss of function.
Wilms tumor 1 (WT1). Also called: Wilms tumor, somatic. Identifiers: Orphanet 654, MedGen CN033288, MONDO:0008679, OMIM 194070.
Pancreatic cancer, susceptibility to, 2. Identifiers: Orphanet 1333, MedGen C3150546, MONDO:0013235, OMIM 613347.
Glioma susceptibility 3 (GLM3). Also called: Glioblastoma 3. Identifiers: Orphanet 182067, Orphanet 360, MedGen C2751641, MONDO:0013093, OMIM 613029.
BRCA2-related cancer predisposition. Identifiers: MedGen CN377758, MONDO:0700269.
BRCA2-related disorder. Also called: BRCA2-related condition; BRCA2-related disorders. Identifiers: MedGen CN239275.

Allele frequency attached by ClinVar (database versions not stated): gnomAD exomes below 0.00001.
gnomAD v4.1: 1 of 1,612,922 alleles (0.000062%); highest among the groups gnomAD compares: East Asian, 0.0022%; no homozygotes.

Submissions (9):

Ambry Genetics
Classification: Likely benign for Hereditary cancer-predisposing syndrome. Last evaluated: 2025-06-12. Review status: criteria provided, single submitter. Criteria: Ambry Variant Classification Scheme 2023. Collection method: clinical testing. Allele origin: germline.

Labcorp Genetics (formerly Invitae), Labcorp
Classification: Uncertain significance for Hereditary breast ovarian cancer syndrome. Last evaluated: 2024-08-31. Review status: criteria provided, single submitter. Criteria: Invitae Variant Classification Sherloc (09022015). Collection method: clinical testing. Allele origin: germline.
Comment: This sequence change replaces asparagine, which is neutral and polar, with serine, which is neutral and polar, at codon 802 of the BRCA2 protein (p.Asn802Ser). This variant is present in population databases (no rsID available, gnomAD 0.0009%). This variant has not been reported in the literature in individuals affected with BRCA2-related conditions. ClinVar contains an entry for this variant (Variation ID: 234566). Invitae Evidence Modeling of protein sequence and biophysical properties (such as structural, functional, and spatial information, amino acid conservation, physicochemical variation, residue mobility, and thermodynamic stability) indicates that this missense variant is not expected to disrupt BRCA2 protein function with a negative predictive value of 95%. In summary, the available evidence is currently insufficient to determine the role of this variant in disease. Therefore, it has been classified as a Variant of Uncertain Significance.

Quest Diagnostics Nichols Institute San Juan Capistrano
Classification: Uncertain significance. Last evaluated: 2024-05-16. Review status: criteria provided, single submitter. Criteria: Quest Diagnostics criteria. Collection method: clinical testing. Allele origin: unknown.
Comment: The BRCA2 c.2405A>G (p.Asn802Ser) variant has been reported in the published literature in a large scale breast cancer association study (PMID: 33471991 (2021), see also LOVD). It was also described to be located in a region of the BRCA2 gene that is tolerant to missense sequence changes (PMID: 31911673 (2020)). The frequency of this variant in the general population, 0.000004 (1/249402 chromosomes (Genome Aggregation Database)), is uninformative in the assessment of its pathogenicity. Analysis of this variant using bioinformatics tools for the prediction of the effect of amino acid changes on protein structure and function yielded predictions that this variant is benign. Based on the available information, we are unable to determine the clinical significance of this variant.

All of Us Research Program, National Institutes of Health
Classification: Uncertain significance for BRCA2-related cancer predisposition. Last evaluated: 2024-05-14. Review status: criteria provided, single submitter. Criteria: ACMG Guidelines, 2015. Collection method: clinical testing. Allele origin: germline. Inheritance: Autosomal dominant inheritance. Observed: 1 variant allele, 1 heterozygote.
Comment: This missense variant replaces asparagine with serine at codon 802 of the BRCA2 protein. Computational prediction suggests that this variant may not impact protein structure and function. To our knowledge, functional studies have not been reported for this variant. This variant has been reported in an individual affected with breast cancer (PMID: 33471991; Leiden Open Variation Database DB-ID BRCA2_007941). This variant has not been identified in the general population by the Genome Aggregation Database (gnomAD). The available evidence is insufficient to determine the role of this variant in disease conclusively. Therefore, this variant is classified as a Variant of Uncertain Significance.

This study involves interpretation of variants in research participants for the purpose of population health screening. Participant phenotype was not available at the time of variant classification. Additional details can be found in publication PMID: 35346344, PMCID: PMC8962531

University of Washington Department of Laboratory Medicine, University of Washington
Classification: Likely benign for Hereditary cancer-predisposing syndrome. Last evaluated: 2023-03-23. Review status: criteria provided, single submitter. Criteria: Dines et al. (Genet Med. 2020). Collection method: curation. Allele origin: germline.
Comment: Missense variant in a coldspot region where missense variants are very unlikely to be pathogenic (PMID:31911673).

BRCA2 exon 11 coldspot. Reclassification based on statistical prior probability.

Sema4
Classification: Uncertain significance for Hereditary cancer-predisposing syndrome. Last evaluated: 2021-09-13. Review status: criteria provided, single submitter. Criteria: Sema4 Curation Guidelines. Collection method: curation. Allele origin: germline.
Comment: The BRCA2 c.2405A>G (p.N802S) variant has been reported in heterozygosity in at least one individual with breast cancer (PMID: 33471991). This variant was observed in 1/113038 chromosomes in the European (non-Finnish) population according to the Genome Aggregation Database (PMID: 32461654), and has been reported in ClinVar (Variation ID: 234566). In silico tools suggest the impact of the variant on protein function is benign, though these predictions have not been confirmed by functional studies. Based on the current evidence available, this variant is interpreted as a variant of uncertain significance.

Mendelics
Classification: Uncertain significance for Breast-ovarian cancer, familial, susceptibility to, 2. Last evaluated: 2019-05-28. Review status: criteria provided, single submitter. Criteria: Mendelics Assertion Criteria 2017. Collection method: clinical testing. Allele origin: unknown.

Fulgent Genetics
Classification: Uncertain significance for Familial cancer of breast; Medulloblastoma; Familial prostate cancer; Wilms tumor 1; Fanconi anemia complementation group D1; Breast-ovarian cancer, familial, susceptibility to, 2; Glioma susceptibility 3; Pancreatic cancer, susceptibility to, 2. Last evaluated: 2018-10-31. Review status: criteria provided, single submitter. Criteria: ACMG Guidelines, 2015. Collection method: clinical testing. Allele origin: unknown.

GeneDx
Classification: Uncertain significance. Last evaluated: 2015-10-17. Review status: criteria provided, single submitter. Criteria: GeneDx Variant Classification (06012015). Collection method: clinical testing. Allele origin: germline. Affected: yes.
Comment: This variant is denoted BRCA2 c.2405A>G at the cDNA level, p.Asn802Ser (N802S) at the protein level, and results in the change of an Asparagine to a Serine (AAT>AGT). Using alternate nomenclature, this variant would be defined as BRCA2 2633A>G. This variant has not, to our knowledge, been published in the literature as being pathogenic or benign. BRCA2 Asn802Ser was not observed in approximately 6,500 individuals of European and African American ancestry in the NHLBI Exome Sequencing Project, indicating it is not a common benign variant in these populations. Since Asparagine and Serine share similar properties, this is considered a conservative amino acid substitution. BRCA2 Asn802Ser occurs at a position that is not conserved and is not located in a known functional domain (Borg 2010). In silico analyses predict that this variant is unlikely to alter protein structure or function. Based on currently available evidence, it is unclear whether BRCA2 Asn802Ser is pathogenic or benign.

Literature cited by the submitters: PubMed 33471991 (cited by 3 submitters); PubMed 31911673 (cited by Quest Diagnostics Nichols Institute San Juan Capistrano).